The following is an entry in ClinVar:

ClinVar aggregate classification (germline): Uncertain significance (1 of 4 stars; one submission).

gnomAD v4.1: 1 of 1,553,922 alleles (0.000064%); highest among the groups gnomAD compares: Admixed American, 0.0019%; no homozygotes.

Submission:

Labcorp Genetics (formerly Invitae), Labcorp
Classification: Uncertain significance. Last evaluated: 2025-01-06. Review status: criteria provided, single submitter. Criteria: Invitae Variant Classification Sherloc (09022015). Collection method: clinical testing. Allele origin: germline.
Comment: This sequence change replaces asparagine, which is neutral and polar, with serine, which is neutral and polar, at codon 249 of the LIPN protein (p.Asn249Ser). The frequency data for this variant in the population databases is considered unreliable, as metrics indicate poor data quality at this position in the gnomAD database. This variant has not been reported in the literature in individuals affected with LIPN-related conditions. An algorithm developed to predict the effect of missense changes on protein structure and function outputs the following: PolyPhen-2: "Benign". The serine amino acid residue is found in multiple mammalian species, which suggests that this missense change does not adversely affect protein function. In summary, the available evidence is currently insufficient to determine the role of this variant in disease. Therefore, it has been classified as a Variant of Uncertain Significance.

NM_001102469.2(LIPN):c.746A>G (p.Asn249Ser)

Gene: LIPN (lipase family member N; plus strand). Cytogenetic location: 10q23.31.
Variant type: single nucleotide variant.
Coding change: c.746A>G on transcript NM_001102469.2 (MANE Select); coding-DNA position 746, A replaced by G.
Protein change: p.Asn249Ser; replaces asparagine 249 with serine.
Molecular consequence: missense variant.
Genome position (GRCh38, 1-based): chr10:88,770,918, A>G. VCF-style: chr10-88770918-A-G. GRCh37 (hg19) VCF-style: chr10-90530675-A-G.
Other names: short protein forms N249S.
Identifiers: ClinVar variation 3687195 (VCV003687195.2).